The following is an entry in ClinVar:

NM_021922.3(FANCE):c.121C>T (p.Arg41Trp)

Genes: FANCE (FA complementation group E; plus strand), LOC129996245 (ATAC-STARR-seq lymphoblastoid silent region 17092; plus strand). Cytogenetic location: 6p21.31.
Variant type: single nucleotide variant.
Coding change: c.121C>T on transcript NM_021922.3 (MANE Select); coding-DNA position 121, C replaced by T.
Protein change: p.Arg41Trp; replaces arginine 41 with tryptophan.
Molecular consequence: missense variant.
Genome position (GRCh38, 1-based): chr6:35,452,666, C>T. VCF-style: chr6-35452666-C-T. GRCh37 (hg19) VCF-style: chr6-35420443-C-T.
Other names: short protein forms R41W.
Identifiers: ClinVar variation 906637 (VCV000906637.12), dbSNP rs1767153896, ClinGen allele CA363770271.

ClinVar aggregate classification (germline): Uncertain significance. Review status: criteria provided, multiple submitters, no conflicts (2 of 4 stars). 2 submissions from 2 submitters: Uncertain significance (2). Last evaluated 2020-10-20.

Conditions:
Fanconi anemia complementation group E (FANCE). Also called: FANCE-Related Fanconi Anemia. Identifiers: Orphanet 84, MedGen C3160739, MONDO:0010953, OMIM 600901.

Allele frequency attached by ClinVar (database versions not stated): gnomAD exomes 0.00001.
gnomAD v4.1: 3 of 1,243,036 alleles (0.00024%); highest among the groups gnomAD compares: Non-Finnish European, 0.0003%; no homozygotes.

Submissions (2):

Labcorp Genetics (formerly Invitae), Labcorp
Classification: Uncertain significance for Fanconi anemia complementation group E. Last evaluated: 2020-10-20. Review status: criteria provided, single submitter. Criteria: Invitae Variant Classification Sherloc (09022015). Collection method: clinical testing. Allele origin: germline.
Comment: This sequence change replaces arginine with tryptophan at codon 41 of the FANCE protein (p.Arg41Trp). The arginine residue is moderately conserved and there is a moderate physicochemical difference between arginine and tryptophan. The frequency data for this variant in the population databases is considered unreliable, as metrics indicate insufficient coverage at this position in the ExAC database. This variant has not been reported in the literature in individuals with FANCE-related conditions. ClinVar contains an entry for this variant (Variation ID: 906637). Algorithms developed to predict the effect of missense changes on protein structure and function output the following: SIFT: "Tolerated"; PolyPhen-2: "Benign"; Align-GVGD: "Class C0". The tryptophan amino acid residue is found in multiple mammalian species, suggesting that this missense change does not adversely affect protein function. These predictions have not been confirmed by published functional studies and their clinical significance is uncertain. In summary, the available evidence is currently insufficient to determine the role of this variant in disease. Therefore, it has been classified as a Variant of Uncertain Significance.

Illumina Laboratory Services, Illumina
Classification: Uncertain significance for Fanconi anemia complementation group E. Last evaluated: 2018-02-09. Review status: criteria provided, single submitter. Criteria: ICSL Variant Classification Criteria 13 December 2019. Collection method: clinical testing. Allele origin: germline.